The following is an entry in ClinVar:

NM_032043.3(BRIP1):c.2323A>G (p.Asn775Asp)

Gene: BRIP1 (BRCA1 interacting DNA helicase 1; minus strand). Cytogenetic location: 17q23.2.
Variant type: single nucleotide variant.
Coding change: c.2323A>G on transcript NM_032043.3 (MANE Select); coding-DNA position 2323, A replaced by G.
Protein change: p.Asn775Asp; replaces asparagine 775 with aspartic acid.
Molecular consequence: missense variant.
Genome position (GRCh38, 1-based): chr17:61,743,069, T>C on the plus strand (A>G on the coding strand, the complement: BRIP1 is on the minus strand). VCF-style: chr17-61743069-T-C. GRCh37 (hg19) VCF-style: chr17-59820430-T-C.
Other names: short protein forms N775D.
Identifiers: ClinVar variation 1789603 (VCV001789603.2), dbSNP rs1462414397, ClinGen allele CA400482633.

ClinVar aggregate classification (germline): Uncertain significance (1 of 4 stars; one submission).

Conditions:
Hereditary cancer-predisposing syndrome. Also called: Hereditary Cancer Syndrome; Hereditary neoplastic syndrome; Tumor predisposition; Neoplastic Syndromes, Hereditary. Identifiers: Orphanet 140162, MedGen C0027672, MeSH D009386, MONDO:0015356.

Submission:

Ambry Genetics
Classification: Uncertain significance for Hereditary cancer-predisposing syndrome. Last evaluated: 2020-06-16. Review status: criteria provided, single submitter. Criteria: Ambry Variant Classification Scheme 2023. Collection method: clinical testing. Allele origin: germline.
Comment: The p.N775D variant (also known as c.2323A>G), located in coding exon 15 of the BRIP1 gene, results from an A to G substitution at nucleotide position 2323. The asparagine at codon 775 is replaced by aspartic acid, an amino acid with highly similar properties. This amino acid position is highly conserved in available vertebrate species. In addition, this alteration is predicted to be tolerated by in silico analysis. Since supporting evidence is limited at this time, the clinical significance of this alteration remains unclear.